The following is an entry in ClinVar:

ClinVar aggregate classification (germline): Uncertain significance (1 of 4 stars; one submission).

Conditions:
HECW2-related disorder. Also called: HECW2-related condition.

Submission:

PreventionGenetics, part of Exact Sciences
Classification: Uncertain significance for HECW2-related condition. Last evaluated: 2022-10-01. Review status: criteria provided, single submitter. Criteria: ACMG Guidelines, 2015. Collection method: clinical testing. Allele origin: germline.
Comment: The HECW2 c.3752T>G variant is predicted to result in the amino acid substitution p.Val1251Gly. To our knowledge, this variant has not been reported in the literature. This variant is reported in 0.00089% of alleles in individuals of European (Non-Finnish) descent in gnomAD. At this time, the clinical significance of this variant is uncertain due to the absence of conclusive functional and genetic evidence.

NM_001348768.2(HECW2):c.3752T>G (p.Val1251Gly)

Gene: HECW2 (HECT, C2 and WW domain containing E3 ubiquitin protein ligase 2; minus strand). Cytogenetic location: 2q32.3.
Variant type: single nucleotide variant.
Coding change: c.3752T>G on transcript NM_001348768.2 (MANE Select); coding-DNA position 3752, T replaced by G.
Protein change: p.Val1251Gly; replaces valine 1251 with glycine.
Molecular consequence: missense variant.
Genome position (GRCh38, 1-based): chr2:196,240,461, A>C on the plus strand (T>G on the coding strand, the complement: HECW2 is on the minus strand). VCF-style: chr2-196240461-A-C. GRCh37 (hg19) VCF-style: chr2-197105185-A-C.
Other names: c.2684T>G, p.Val895Gly (NM_001304840.3); c.3752T>G, p.Val1251Gly (NM_020760.4); short protein forms V1251G, V895G.
Identifiers: ClinVar variation 2628422 (VCV002628422.1), dbSNP rs374428183, ClinGen allele CA349953802.